The following is an entry in ClinVar:

ClinVar aggregate classification (germline): Pathogenic/Likely pathogenic. Review status: criteria provided, multiple submitters, no conflicts (2 of 4 stars). 4 submissions from 4 submitters: Pathogenic (2); Likely pathogenic (2). Last evaluated 2025-10-22.

Conditions:
Hereditary leiomyomatosis and renal cell cancer. Also called: LEIOMYOMA, MULTIPLE CUTANEOUS; Reed syndrome; Multiple cutaneous and uterine leiomyomatosis; Cutaneous leiomyomata with uterine leiomyomata; Leiomyoma, hereditary multiple, of skin; Multiple cutaneous and uterine leiomyomata. Identifiers: Orphanet 523, MedGen C1708350, MONDO:0007888, OMIM 150800, HP:0007437. Disease mechanism: loss of function.
Hereditary cancer-predisposing syndrome. Also called: Tumor predisposition; Hereditary Cancer Syndrome; Hereditary neoplastic syndrome; Neoplastic Syndromes, Hereditary. Identifiers: Orphanet 140162, MedGen C0027672, MeSH D009386, MONDO:0015356.

Allele frequency attached by ClinVar (database versions not stated): gnomAD exomes below 0.00001.

Submissions (4):

Labcorp Genetics (formerly Invitae), Labcorp
Classification: Pathogenic. Last evaluated: 2025-10-22. Review status: criteria provided, single submitter. Criteria: Invitae Variant Classification Sherloc (09022015). Collection method: clinical testing. Allele origin: germline.
Comment: This sequence change replaces glutamine, which is neutral and polar, with arginine, which is basic and polar, at codon 185 of the FH protein (p.Gln185Arg). This variant is not present in population databases (gnomAD no frequency). This missense change has been observed in individuals with leiomyomas (PMID: 11865300, 28300276; internal data). This variant is also known as p.Gln142Arg. ClinVar contains an entry for this variant (Variation ID: 214433). An algorithm developed to predict the effect of missense changes on protein structure and function (PolyPhen-2) suggests that this variant is likely to be disruptive. Experimental studies have shown that this missense change affects FH function (PMID: 11865300, 16237213, 21445611). For these reasons, this variant has been classified as Pathogenic.

Ambry Genetics
Classification: Pathogenic for Hereditary cancer-predisposing syndrome. Last evaluated: 2024-11-27. Review status: criteria provided, single submitter. Criteria: Ambry Variant Classification Scheme 2023. Collection method: clinical testing. Allele origin: germline.
Comment: The p.Q185R pathogenic mutation (also known as c.554A>G), located in coding exon 4 of the FH gene, results from an A to G substitution at nucleotide position 554. The glutamine at codon 185 is replaced by arginine, an amino acid with highly similar properties. This alteration been observed in multiple individuals who have a personal and/or family history that is consistent with FH-associated disease (Ambry internal data; Muller M et al. Clin. Genet. 2017 Dec;92:606-615; Tomlinson IP et al. Nat. Genet. 2002 Apr; 30(4):406-10). Based on internal structural assessment, this alteration destabilizes the structure of the N-terminal lobe (Ajalla Aleixo MA et al. FEBS J. 2019 May;286:1925-1940). This variant was not reported in population-based cohorts in the Genome Aggregation Database (gnomAD) (Lek M et al. Nature. 2016 08;536:285-91). This amino acid position is highly conserved in available vertebrate species. In addition, this alteration is predicted to be deleterious by in silico analysis. Based on the supporting evidence, this alteration is interpreted as a disease-causing mutation.

GeneDx
Classification: Likely pathogenic. Last evaluated: 2017-12-28. Review status: criteria provided, single submitter. Criteria: GeneDx Variant Classification (06012015). Collection method: clinical testing. Allele origin: germline. Affected: yes.
Comment: The Q185R variant in the FH gene has previously been published in association with hereditary leiomyomatosis and renal cell cancer (Tomlinson et al., 2002; Alam et al., 2005; Muller et al., 2017). Alam et al. (2005) reported decreased FH enzyme activity of 46.1% in a heterozygous individual harboring the Q185R variant. This variant is not observed in large population cohorts (Lek et al., 2016). The Q185R variant is a semi-conservative amino acid substitution, which may impact secondary protein structure as these residues differ in some properties. This substitution occurs at a position that is conserved across species, and is located within the enzyme active site (Picaud et al., 2011). In silico analysis predicts this variant is probably damaging to the protein structure/function. Based on currently available evidence, the Q185R variant is a strong candidate for a pathogenic variant. However, the possibility it is a rare benign variant cannot be excluded.

Genomic Diagnostic Laboratory, Division of Genomic Diagnostics, Children's Hospital of Philadelphia
Classification: Likely pathogenic for Hereditary leiomyomatosis and renal cell cancer. Last evaluated: 2017-01-17. Review status: criteria provided, single submitter. Criteria: DGD Variant Analysis Guidelines. Collection method: clinical testing. Allele origin: germline. Affected: yes. Observed: 1 variant allele.
Comment: Clinical Testing

Literature cited by the submitters: PubMed 11865300 (cited by Labcorp Genetics (formerly Invitae), Labcorp and Ambry Genetics); PubMed 28300276 (cited by Labcorp Genetics (formerly Invitae), Labcorp and Ambry Genetics); PubMed 16237213 (cited by Labcorp Genetics (formerly Invitae), Labcorp); PubMed 21445611 (cited by Labcorp Genetics (formerly Invitae), Labcorp); PubMed 30761759 (cited by Ambry Genetics).

NM_000143.4(FH):c.554A>G (p.Gln185Arg)

Gene: FH (fumarate hydratase; minus strand). Cytogenetic location: 1q43.
Variant type: single nucleotide variant.
Coding change: c.554A>G on transcript NM_000143.4 (MANE Select); coding-DNA position 554, A replaced by G.
Protein change: p.Gln185Arg; replaces glutamine 185 with arginine.
Molecular consequence: missense variant.
Genome position (GRCh38, 1-based): chr1:241,511,968, T>C on the plus strand (A>G on the coding strand, the complement: FH is on the minus strand). VCF-style: chr1-241511968-T-C. GRCh37 (hg19) VCF-style: chr1-241675268-T-C.
Other names: p.Q185R:CAG>CGG; short protein forms Q185R.
Identifiers: ClinVar variation 214433 (VCV000214433.17), dbSNP rs779707997, ClinGen allele CA320867.